The following is an entry in ClinVar:

NM_004168.4(SDHA):c.1486C>A (p.Leu496Ile)

Gene: SDHA (succinate dehydrogenase complex flavoprotein subunit A; plus strand). Cytogenetic location: 5p15.33.
Variant type: single nucleotide variant.
Coding change: c.1486C>A on transcript NM_004168.4 (MANE Select); coding-DNA position 1486, C replaced by A.
Protein change: p.Leu496Ile; replaces leucine 496 with isoleucine.
Molecular consequence: missense variant.
Genome position (GRCh38, 1-based): chr5:240,411, C>A. VCF-style: chr5-240411-C-A. GRCh37 (hg19) VCF-style: chr5-240526-C-A.
Other names: c.1486C>A (NM_004168.2); c.1342C>A, p.Leu448Ile (NM_001294332.2); c.1486C>A, p.Leu496Ile (NM_001330758.2); short protein forms L448I, L496I.
Identifiers: ClinVar variation 1045793 (VCV001045793.10), dbSNP rs1305001616, ClinGen allele CA359014273.

ClinVar aggregate classification (germline): Uncertain significance. Review status: criteria provided, multiple submitters, no conflicts (2 of 4 stars). 2 submissions from 2 submitters: Uncertain significance (2). Last evaluated 2024-09-19.

Conditions:
Hereditary cancer-predisposing syndrome. Also called: Tumor predisposition; Hereditary neoplastic syndrome; Neoplastic Syndromes, Hereditary; Hereditary Cancer Syndrome. Identifiers: Orphanet 140162, MedGen C0027672, MeSH D009386, MONDO:0015356.
Mitochondrial complex II deficiency, nuclear type 1. Also called: SUCCINATE CoQ REDUCTASE DEFICIENCY. Identifiers: Orphanet 3208, MedGen C5700310, MONDO:0100294, OMIM 252011.
Pheochromocytoma/paraganglioma syndrome 5. Also called: Paragangliomas 5; SDHA-Related Hereditary Paraganglioma-Pheochromocytoma Syndrome. Identifiers: Orphanet 29072, MedGen C3279992, MONDO:0013602, OMIM 614165.

Allele frequency attached by ClinVar (database versions not stated): gnomAD exomes below 0.00001; TOPMed below 0.00001.

Submissions (2):

Ambry Genetics
Classification: Uncertain significance for Hereditary cancer-predisposing syndrome. Last evaluated: 2024-09-19. Review status: criteria provided, single submitter. Criteria: Ambry Variant Classification Scheme 2023. Collection method: clinical testing. Allele origin: germline.
Comment: The p.L496I variant (also known as c.1486C>A), located in coding exon 11 of the SDHA gene, results from a C to A substitution at nucleotide position 1486. The leucine at codon 496 is replaced by isoleucine, an amino acid with highly similar properties. This amino acid position is conserved. In addition, this alteration is predicted to be tolerated by in silico analysis. Based on the available evidence, the clinical significance of this variant remains unclear.

Labcorp Genetics (formerly Invitae), Labcorp
Classification: Uncertain significance for Pheochromocytoma/paraganglioma syndrome 5; Mitochondrial complex II deficiency, nuclear type 1. Last evaluated: 2022-10-16. Review status: criteria provided, single submitter. Criteria: Invitae Variant Classification Sherloc (09022015). Collection method: clinical testing. Allele origin: germline.
Comment: In summary, the available evidence is currently insufficient to determine the role of this variant in disease. Therefore, it has been classified as a Variant of Uncertain Significance. Advanced modeling of protein sequence and biophysical properties (such as structural, functional, and spatial information, amino acid conservation, physicochemical variation, residue mobility, and thermodynamic stability) performed at Invitae indicates that this missense variant is not expected to disrupt SDHA protein function. ClinVar contains an entry for this variant (Variation ID: 1045793). This sequence change replaces leucine, which is neutral and non-polar, with isoleucine, which is neutral and non-polar, at codon 496 of the SDHA protein (p.Leu496Ile). This variant has not been reported in the literature in individuals affected with SDHA-related conditions. This variant is present in population databases (no rsID available, gnomAD 0.006%).